The following is an entry in ClinVar:

NM_022173.4(TIA1):c.1117A>G (p.Asn373Asp)

Gene: TIA1 (TIA1 cytotoxic granule associated RNA binding protein; minus strand). Cytogenetic location: 2p13.3.
Variant type: single nucleotide variant.
Coding change: c.1117A>G on transcript NM_022173.4 (MANE Select); coding-DNA position 1117, A replaced by G.
Protein change: p.Asn373Asp; replaces asparagine 373 with aspartic acid.
Molecular consequence: missense variant. On other transcripts: non-coding transcript variant (17).
Genome position (GRCh38, 1-based): chr2:70,212,763, T>C on the plus strand (A>G on the coding strand, the complement: TIA1 is on the minus strand). VCF-style: chr2-70212763-T-C. GRCh37 (hg19) VCF-style: chr2-70439895-T-C.
Other names: c.1114A>G, p.Asn372Asp (NM_001351508.2); c.1090A>G, p.Asn364Asp (NM_001351509.2); c.1081A>G, p.Asn361Asp (NM_001351510.2); c.1006A>G, p.Asn336Asp (NM_001351511.1); c.979A>G, p.Asn327Asp (NM_001351512.1); c.973A>G, p.Asn325Asp (NM_001351513.1); c.889A>G, p.Asn297Asp (NM_001351514.2); c.814A>G, p.Asn272Asp (NM_001351515.2); and 3 more; short protein forms N272D, N325D, N364D, N373D, N232D, N362D, N233D, N336D.
Identifiers: ClinVar variation 939077 (VCV000939077.9), dbSNP rs1251696640, ClinGen allele CA347149124.

ClinVar aggregate classification (germline): Uncertain significance (1 of 4 stars; one submission).

Conditions:
Welander distal myopathy (WDM). Also called: Gower's muscular dystrophy; MUSCULAR DYSTROPHY, DISTAL, LATE-ONSET, AUTOSOMAL DOMINANT; Welander distal myopathy, Swedish type; Distal myopathy, Swedish type. Identifiers: Orphanet 603, MedGen C0221054, MONDO:0011466, OMIM 604454.

Allele frequency attached by ClinVar (database versions not stated): gnomAD exomes below 0.00001; TOPMed 0.00001.
gnomAD v4.1: 2 of 1,614,046 alleles (0.00012%); highest among the groups gnomAD compares: African/African-American, 0.0027%; no homozygotes.

Submission:

Labcorp Genetics (formerly Invitae), Labcorp
Classification: Uncertain significance for Welander distal myopathy. Last evaluated: 2023-10-13. Review status: criteria provided, single submitter. Criteria: Invitae Variant Classification Sherloc (09022015). Collection method: clinical testing. Allele origin: germline.
Comment: This sequence change replaces asparagine, which is neutral and polar, with aspartic acid, which is acidic and polar, at codon 373 of the TIA1 protein (p.Asn373Asp). This variant is present in population databases (no rsID available, gnomAD 0.007%). This variant has not been reported in the literature in individuals affected with TIA1-related conditions. ClinVar contains an entry for this variant (Variation ID: 939077). An algorithm developed to predict the effect of missense changes on protein structure and function (PolyPhen-2) suggests that this variant is likely to be tolerated. In summary, the available evidence is currently insufficient to determine the role of this variant in disease. Therefore, it has been classified as a Variant of Uncertain Significance.